The following is an entry in ClinVar:

ClinVar aggregate classification (germline): Pathogenic (1 of 4 stars; one submission).

Conditions:
Adams-Oliver syndrome 5 (AOS5). Identifiers: Orphanet 974, MedGen C4014970, MONDO:0014459, OMIM 616028.

Submission:

Labcorp Genetics (formerly Invitae), Labcorp
Classification: Pathogenic for Adams-Oliver syndrome 5. Last evaluated: 2025-10-19. Review status: criteria provided, single submitter. Criteria: Invitae Variant Classification Sherloc (09022015). Collection method: clinical testing. Allele origin: germline.
Comment: This sequence change creates a premature translational stop signal (p.Cys1322Alafs*123) in the NOTCH1 gene. It is expected to result in an absent or disrupted protein product. Loss-of-function variants in NOTCH1 are known to be pathogenic (PMID: 16025100, 21457232, 25132448, 25963545, 32720365, 33630301). This variant is not present in population databases (gnomAD no frequency). This variant has not been reported in the literature in individuals affected with NOTCH1-related conditions. For these reasons, this variant has been classified as Pathogenic.

Literature cited by the submitters: PubMed 16025100; PubMed 21457232; PubMed 25132448; PubMed 25963545; PubMed 32720365; PubMed 33630301.

NM_017617.5(NOTCH1):c.3963del (p.Cys1322fs)

Gene: NOTCH1 (notch receptor 1; minus strand). Cytogenetic location: 9q34.3.
Variant type: Deletion.
Coding change: c.3963del on transcript NM_017617.5 (MANE Select); coding-DNA position 3963, one base deleted (C; older notation c.3963delC).
Protein change: p.Cys1322fs; shifts the reading frame from cysteine 1322.
Molecular consequence: frameshift variant.
Genome position (GRCh38, 1-based): chr9:136,506,578, G deleted on the plus strand (C on the coding strand, the reverse complement: NOTCH1 is on the minus strand); the first of 2 consecutive G bases (chr9:136,506,578-136,506,579); deleting either gives the same sequence. VCF-style (leftmost placement, unchanged base first): chr9-136506577-AG-A. GRCh37 (hg19) VCF-style: chr9-139401029-AG-A.
Other names: short protein forms C1322fs.
Identifiers: ClinVar variation 4729490 (VCV004729490.1).